The following is an entry in ClinVar:

ClinVar aggregate classification (germline): Uncertain significance. Review status: criteria provided, multiple submitters, no conflicts (2 of 4 stars). 2 submissions from 2 submitters: Uncertain significance (2). Last evaluated 2025-09-07.

Conditions:
Hereditary cancer-predisposing syndrome. Also called: Tumor predisposition; Neoplastic Syndromes, Hereditary; Hereditary Cancer Syndrome; Hereditary neoplastic syndrome. Identifiers: Orphanet 140162, MedGen C0027672, MeSH D009386, MONDO:0015356.
Tumor predisposition syndrome 3 (TPDS3). Also called: Glioma susceptibility 9; LONG TELOMERE SYNDROME, POT1-RELATED; POT1 Tumor Predisposition; Melanoma, cutaneous malignant, susceptibility to, 10. Identifiers: Orphanet 618, MedGen C4014476, MONDO:0014368, OMIM 615848.

Submissions (2):

Labcorp Genetics (formerly Invitae), Labcorp
Classification: Uncertain significance for Tumor predisposition syndrome 3. Last evaluated: 2025-09-07. Review status: criteria provided, single submitter. Criteria: Invitae Variant Classification Sherloc (09022015). Collection method: clinical testing. Allele origin: germline.
Comment: This sequence change replaces cysteine, which is neutral and slightly polar, with tyrosine, which is neutral and polar, at codon 349 of the POT1 protein (p.Cys349Tyr). This variant is not present in population databases (gnomAD no frequency). This variant has not been reported in the literature in individuals affected with POT1-related conditions. ClinVar contains an entry for this variant (Variation ID: 1775539). Invitae Evidence Modeling of protein sequence and biophysical properties (such as structural, functional, and spatial information, amino acid conservation, physicochemical variation, residue mobility, and thermodynamic stability) indicates that this missense variant is not expected to disrupt POT1 protein function with a negative predictive value of 80%. In summary, the available evidence is currently insufficient to determine the role of this variant in disease. Therefore, it has been classified as a Variant of Uncertain Significance.

Ambry Genetics
Classification: Uncertain significance for Hereditary cancer-predisposing syndrome. Last evaluated: 2021-04-16. Review status: criteria provided, single submitter. Criteria: Ambry Variant Classification Scheme 2023. Collection method: clinical testing. Allele origin: germline.
Comment: The p.C349Y variant (also known as c.1046G>A), located in coding exon 9 of the POT1 gene, results from a G to A substitution at nucleotide position 1046. The cysteine at codon 349 is replaced by tyrosine, an amino acid with highly dissimilar properties. This amino acid position is not well conserved in available vertebrate species. In addition, this alteration is predicted to be tolerated by in silico analysis. Since supporting evidence is limited at this time, the clinical significance of this alteration remains unclear.

NM_015450.3(POT1):c.1046G>A (p.Cys349Tyr)

Gene: POT1 (protection of telomeres 1; minus strand). Cytogenetic location: 7q31.33.
Variant type: single nucleotide variant.
Coding change: c.1046G>A on transcript NM_015450.3 (MANE Select); coding-DNA position 1046, G replaced by A.
Protein change: p.Cys349Tyr; replaces cysteine 349 with tyrosine.
Molecular consequence: missense variant. On other transcripts: non-coding transcript variant (3).
Genome position (GRCh38, 1-based): chr7:124,842,924, C>T on the plus strand (G>A on the coding strand, the complement: POT1 is on the minus strand). VCF-style: chr7-124842924-C-T. GRCh37 (hg19) VCF-style: chr7-124482978-C-T.
Other names: c.653G>A, p.Cys218Tyr (NM_001042594.2); short protein forms C218Y, C349Y.
Identifiers: ClinVar variation 1775539 (VCV001775539.5), dbSNP rs2485402504, ClinGen allele CA369068528.